The following is an entry in ClinVar:

NM_000388.4(CASR):c.3056G>A (p.Gly1019Glu)

Gene: CASR (calcium sensing receptor; plus strand). Cytogenetic location: 3q21.1.
Variant type: single nucleotide variant.
Coding change: c.3056G>A on transcript NM_000388.4 (MANE Select); coding-DNA position 3056, G replaced by A.
Protein change: p.Gly1019Glu; replaces glycine 1019 with glutamic acid.
Molecular consequence: missense variant.
Genome position (GRCh38, 1-based): chr3:122,285,010, G>A. VCF-style: chr3-122285010-G-A. GRCh37 (hg19) VCF-style: chr3-122003857-G-A.
Other names: c.3086G>A, p.Gly1029Glu (NM_001178065.2); short protein forms G1019E, G1029E.
Identifiers: ClinVar variation 2075929 (VCV002075929.4), dbSNP rs2473283538, ClinGen allele CA354161344.

ClinVar aggregate classification (germline): Uncertain significance (1 of 4 stars; one submission).

Conditions:
Familial hypocalciuric hypercalcemia (FHH). Also called: Familial benign hypercalcemia. Identifiers: Orphanet 405, MedGen C1809471, MONDO:0018458.
Autosomal dominant hypocalcemia 1 (HYPOC1). Also called: HYPOCALCEMIA, FAMILIAL. Identifiers: MedGen C3715128, MONDO:0011013, OMIM 601198.

Submission:

Labcorp Genetics (formerly Invitae), Labcorp
Classification: Uncertain significance for Familial hypocalciuric hypercalcemia; Autosomal dominant hypocalcemia 1. Last evaluated: 2023-03-26. Review status: criteria provided, single submitter. Criteria: Invitae Variant Classification Sherloc (09022015). Collection method: clinical testing. Allele origin: germline.
Comment: ClinVar contains an entry for this variant (Variation ID: 2075929). This variant has not been reported in the literature in individuals affected with CASR-related conditions. This variant is not present in population databases (gnomAD no frequency). This sequence change replaces glycine, which is neutral and non-polar, with glutamic acid, which is acidic and polar, at codon 1019 of the CASR protein (p.Gly1019Glu). An algorithm developed to predict the effect of missense changes on protein structure and function (PolyPhen-2) suggests that this variant is likely to be tolerated. In summary, the available evidence is currently insufficient to determine the role of this variant in disease. Therefore, it has been classified as a Variant of Uncertain Significance.